The following is an entry in ClinVar:

ClinVar aggregate classification (germline): Likely benign (1 of 4 stars; one submission).

Allele frequency attached by ClinVar (database versions not stated): gnomAD 0.00001.
gnomAD v4.1: 1 of 1,609,532 alleles (0.000062%); highest among the groups gnomAD compares: African/African-American, 0.0013%; no homozygotes.

Submission:

GeneDx
Classification: Likely benign. Last evaluated: 2017-10-25. Review status: criteria provided, single submitter. Criteria: GeneDx Variant Classification (06012015). Collection method: clinical testing. Allele origin: germline. Affected: yes.
Comment: This variant is considered likely benign or benign based on one or more of the following criteria: it is a conservative change, it occurs at a poorly conserved position in the protein, it is predicted to be benign by multiple in silico algorithms, and/or has population frequency not consistent with disease.

NM_001005242.3(PKP2):c.2014-19G>A

Gene: PKP2 (plakophilin 2; minus strand). Cytogenetic location: 12p11.21.
Variant type: single nucleotide variant.
Coding change: c.2014-19G>A on transcript NM_001005242.3 (MANE Select); 19 bases into the intron before coding-DNA position 2014, G replaced by A.
Molecular consequence: intron variant.
Genome position (GRCh38, 1-based): chr12:32,802,575, C>T on the plus strand (G>A on the coding strand, the complement: PKP2 is on the minus strand). VCF-style: chr12-32802575-C-T. GRCh37 (hg19) VCF-style: chr12-32955509-C-T.
Other names: c.2146-19G>A (NM_004572.4).
Identifiers: ClinVar variation 512903 (VCV000512903.1), dbSNP rs1555141646, ClinGen allele CA658797874.
Genomic context (GRCh38, chr12:32,802,575, plus strand): 5'-ACTTTCCTTCTGGACAACTGTCTGAGCCACTGATGTCGGCATCTGTTTTGTGAGACATAT[C>T]CTATAAGTGCTATTGTATTTGATTTCACGATAACATTAAGTTTTCTGTAGATTACCAGAG-3'